The following is an entry in ClinVar:

NM_138295.5(PKD1L1):c.2453+3G>A

Gene: PKD1L1 (polycystin 1 like 1, transient receptor potential channel interacting; minus strand). Cytogenetic location: 7p12.3.
Variant type: single nucleotide variant.
Coding change: c.2453+3G>A on transcript NM_138295.5 (MANE Select); 3 bases into the intron after coding-DNA position 2453, G replaced by A.
Molecular consequence: intron variant.
Genome position (GRCh38, 1-based): chr7:47,893,875, C>T on the plus strand (G>A on the coding strand, the complement: PKD1L1 is on the minus strand). VCF-style: chr7-47893875-C-T. GRCh37 (hg19) VCF-style: chr7-47933472-C-T.
Identifiers: ClinVar variation 2044911 (VCV002044911.9), dbSNP rs148317193, ClinGen allele CA4253752.

ClinVar aggregate classification (germline): Benign/Likely benign. Review status: criteria provided, multiple submitters, no conflicts (2 of 4 stars). 3 submissions from 3 submitters: Benign (1); Likely benign (2). Last evaluated 2026-03-01.

Allele frequency attached by ClinVar (database versions not stated): gnomAD exomes 0.00090; gnomAD 0.00093; ESP Exome Variant Server 0.00100; TOPMed 0.00103; 1000 Genomes Project 30x 0.00141; ExAC 0.00179; 1000 Genomes Project 0.00180.
gnomAD v4.1: 1,504 of 1,612,144 alleles (0.093%); highest among the groups gnomAD compares: Middle Eastern, 1.2%; 6 homozygotes.

Submissions (3):

CeGaT Center for Human Genetics Tuebingen
Classification: Likely benign. Last evaluated: 2026-03-01. Review status: criteria provided, single submitter. Criteria: CeGaT Center For Human Genetics Tuebingen Variant Classification Criteria Version 2. Collection method: clinical testing. Allele origin: germline. Affected: yes. Observed: 2 variant alleles.
Comment: PKD1L1: BP4

Labcorp Genetics (formerly Invitae), Labcorp
Classification: Benign. Last evaluated: 2026-01-26. Review status: criteria provided, single submitter. Criteria: Invitae Variant Classification Sherloc (09022015). Collection method: clinical testing. Allele origin: germline.

Blueprint Genetics
Classification: Likely benign. Last evaluated: 2024-11-08. Review status: criteria provided, single submitter. Criteria: ACMG Guidelines, 2015. Collection method: clinical testing. Allele origin: germline.